The following is an entry in ClinVar:

ClinVar aggregate classification (germline): Likely benign (1 of 4 stars; one submission).

Submission:

CeGaT Center for Human Genetics Tuebingen
Classification: Likely benign. Last evaluated: 2025-10-01. Review status: criteria provided, single submitter. Criteria: CeGaT Center For Human Genetics Tuebingen Variant Classification Criteria Version 2. Collection method: clinical testing. Allele origin: germline. Affected: yes. Observed: 1 variant allele.
Comment: TAS2R3: BP4, BP7

NM_016943.2(TAS2R3):c.36G>A (p.Leu12=)

Gene: TAS2R3 (taste 2 receptor member 3; plus strand). Cytogenetic location: 7q34.
Variant type: single nucleotide variant.
Coding change: c.36G>A on transcript NM_016943.2 (MANE Select); coding-DNA position 36, G replaced by A.
Protein change: p.Leu12=; no amino-acid change (leucine 12 retained).
Molecular consequence: synonymous variant.
Genome position (GRCh38, 1-based): chr7:141,764,194, G>A. VCF-style: chr7-141764194-G-A. GRCh37 (hg19) VCF-style: chr7-141463994-G-A.
Identifiers: ClinVar variation 4533922 (VCV004533922.6).